The following is an entry in ClinVar:

ClinVar aggregate classification (germline): Uncertain significance (1 of 4 stars; one submission).

gnomAD v4.1: 3 of 1,534,442 alleles (0.0002%); highest among the groups gnomAD compares: Admixed American, 0.0058%; no homozygotes.

Submission:

GeneDx
Classification: Uncertain significance. Last evaluated: 2024-05-14. Review status: criteria provided, single submitter. Criteria: GeneDx Variant Classification Process June 2021. Collection method: clinical testing. Allele origin: germline. Affected: yes.
Comment: Non-canonical splice site variant predicted to result in loss of function in a gene or region of a gene for which loss of function is not a well-established mechanism of disease; Not observed at significant frequency in large population cohorts (gnomAD); Has not been previously published as pathogenic or benign to our knowledge

NM_018051.5(DYNC2I1):c.3002+5G>C

Gene: DYNC2I1 (dynein 2 intermediate chain 1; plus strand). Cytogenetic location: 7q36.3.
Variant type: single nucleotide variant.
Coding change: c.3002+5G>C on transcript NM_018051.5 (MANE Select); 5 bases into the intron after coding-DNA position 3002, G replaced by C.
Molecular consequence: intron variant.
Genome position (GRCh38, 1-based): chr7:158,942,153, G>C. VCF-style: chr7-158942153-G-C. GRCh37 (hg19) VCF-style: chr7-158734844-G-C.
Other names: c.2864+5G>C (NM_001350914.2); c.1754+5G>C (NM_001350918.2, NM_001350917.2); c.1541+5G>C (NM_001350916.2); c.2429+5G>C (NM_001350915.2).
Identifiers: ClinVar variation 3378267 (VCV003378267.1).